The following is an entry in ClinVar:

NM_001034116.2(EIF2B4):c.887C>T (p.Ala296Val)

Genes: EIF2B4 (eukaryotic translation initiation factor 2B subunit delta; minus strand), GTF3C2-AS2 (GTF3C2 antisense RNA 2; plus strand). Cytogenetic location: 2p23.3.
Variant type: single nucleotide variant.
Coding change: c.887C>T on transcript NM_001034116.2 (MANE Select); coding-DNA position 887, C replaced by T.
Protein change: p.Ala296Val; replaces alanine 296 with valine.
Molecular consequence: missense variant.
Genome position (GRCh38, 1-based): chr2:27,367,200, G>A on the plus strand (C>T on the coding strand, the complement: EIF2B4 is on the minus strand). VCF-style: chr2-27367200-G-A. GRCh37 (hg19) VCF-style: chr2-27590067-G-A.
Other names: c.884C>T, p.Ala295Val (NM_015636.4); c.947C>T, p.Ala316Val (NM_172195.4); c.950C>T, p.Ala317Val (NM_001318965.2); c.842C>T, p.Ala281Val (NM_001318966.2); c.794C>T, p.Ala265Val (NM_001318967.2); c.302C>T, p.Ala101Val (NM_001318968.2); c.269C>T, p.Ala90Val (NM_001318969.2); short protein forms A296V, A295V, A316V, A101V, A265V, A281V, A317V, A90V.
Identifiers: ClinVar variation 2805417 (VCV002805417.3), dbSNP rs1199587503, ClinGen allele CA346198783.
Genomic context (GRCh38, chr2:27,367,200, plus strand): 5'-GCTGCTAGCACAATCTTCTCTTGCACATACCGATCAATGGCTGCTCGAAGTTCTGACTTG[G>A]CCTAAATGGAGTAAAATCCTTAGTGAACAAGAAATGGACACTTTTATCCCTCTGATGATC-3'
Protein context (NP_001029288.1, residues 286-306): SVGSSKREEE[Ala296Val]KSELRAAIDR

ClinVar aggregate classification (germline): Uncertain significance (1 of 4 stars; one submission).

Allele frequency attached by ClinVar (database versions not stated): gnomAD exomes below 0.00001.

Submission:

Labcorp Genetics (formerly Invitae), Labcorp
Classification: Uncertain significance. Last evaluated: 2023-09-05. Review status: criteria provided, single submitter. Criteria: Invitae Variant Classification Sherloc (09022015). Collection method: clinical testing. Allele origin: germline.
Comment: This sequence change replaces alanine, which is neutral and non-polar, with valine, which is neutral and non-polar, at codon 295 of the EIF2B4 protein (p.Ala295Val). This variant is present in population databases (no rsID available, gnomAD 0.0009%). This variant has not been reported in the literature in individuals affected with EIF2B4-related conditions. An algorithm developed to predict the effect of missense changes on protein structure and function (PolyPhen-2) suggests that this variant is likely to be tolerated. In summary, the available evidence is currently insufficient to determine the role of this variant in disease. Therefore, it has been classified as a Variant of Uncertain Significance.